The following is an entry in ClinVar:

NM_015338.6(ASXL1):c.3842C>A (p.Ser1281Tyr)

Gene: ASXL1 (ASXL transcriptional regulator 1; plus strand). Cytogenetic location: 20q11.21.
Variant type: single nucleotide variant.
Coding change: c.3842C>A on transcript NM_015338.6 (MANE Select); coding-DNA position 3842, C replaced by A.
Protein change: p.Ser1281Tyr; replaces serine 1281 with tyrosine.
Molecular consequence: missense variant.
Genome position (GRCh38, 1-based): chr20:32,436,554, C>A. VCF-style: chr20-32436554-C-A. GRCh37 (hg19) VCF-style: chr20-31024357-C-A.
Other names: c.3659C>A, p.Ser1220Tyr (NM_001363734.1); short protein forms S1220Y, S1281Y.
Identifiers: ClinVar variation 3955111 (VCV003955111.1).

ClinVar aggregate classification (germline): Uncertain significance (1 of 4 stars; one submission).

Conditions:
Inborn genetic diseases. Identifiers: MedGen C0950123, MeSH D030342.

Submission:

Ambry Genetics
Classification: Uncertain significance for Inborn genetic diseases. Last evaluated: 2025-03-24. Review status: criteria provided, single submitter. Criteria: Ambry Variant Classification Scheme 2023. Collection method: clinical testing. Allele origin: germline.
Comment: The p.S1281Y variant (also known as c.3842C>A), located in coding exon 13 of the ASXL1 gene, results from a C to A substitution at nucleotide position 3842. The serine at codon 1281 is replaced by tyrosine, an amino acid with dissimilar properties. This amino acid position is conserved. In addition, this alteration is predicted to be tolerated by in silico analysis. Based on the available evidence, the clinical significance of this variant remains unclear.